The following is an entry in ClinVar:

NM_001611.5(ACP5):c.955C>T (p.Leu319=)

Gene: ACP5 (acid phosphatase 5, tartrate resistant; minus strand). Cytogenetic location: 19p13.2.
Variant type: single nucleotide variant.
Coding change: c.955C>T on transcript NM_001611.5 (MANE Select); coding-DNA position 955, C replaced by T.
Protein change: p.Leu319=; no amino-acid change (leucine 319 retained).
Molecular consequence: synonymous variant.
Genome position (GRCh38, 1-based): chr19:11,575,033, G>A on the plus strand (C>T on the coding strand, the complement: ACP5 is on the minus strand). VCF-style: chr19-11575033-G-A. GRCh37 (hg19) VCF-style: chr19-11685848-G-A.
Other names: c.955C>T, p.Leu319= (NM_001111034.3, NM_001111035.3, NM_001111036.3 and 1 more transcripts).
Identifiers: ClinVar variation 712232 (VCV000712232.15), dbSNP rs141909893, ClinGen allele CA9215285.
Genomic context (GRCh38, chr19:11,575,033, plus strand): 5'-TGGAGATCGGGCCTCAGAGCTGGGCAGTCATGGGAGTTCAGGGCCTGGCTCGCCTCGGCA[G>A]CCTGGTCTTAAAGAGGGACTTGCCCGAGGCCTCGATGTAAGTGACAGTCATCTCTTTGGA-3'
Protein context (NP_001602.1, residues 309-325): ASGKSLFKTR[Leu319=]PRRARP

ClinVar aggregate classification (germline): Benign/Likely benign. Review status: criteria provided, multiple submitters, no conflicts (2 of 4 stars). 4 submissions from 4 submitters: Benign (1); Likely benign (2). 1 of the submissions does not count toward it. Last evaluated 2026-06-01.

Conditions:
ACP5-related disorder. Also called: ACP5-related condition.
Spondyloenchondrodysplasia with immune dysregulation (SPENCDI). Also called: COMBINED IMMUNODEFICIENCY WITH AUTOIMMUNITY AND SPONDYLOMETAPHYSEAL DYSPLASIA; ROIFMAN IMMUNOSKELETAL SYNDROME; SPONDYLOENCHONDRODYSPLASIA WITH OR WITHOUT IMMUNE DYSREGULATION. Identifiers: Orphanet 1855, MedGen C1842763, MONDO:0011939, OMIM 607944.

Allele frequency attached by ClinVar (database versions not stated): gnomAD exomes 0.00014 and 0.00047; ExAC 0.00059; ESP Exome Variant Server 0.00131; gnomAD 0.00190 and 0.00193; TOPMed 0.00192; 1000 Genomes Project 0.00220; 1000 Genomes Project 30x 0.00265.
gnomAD v4.1: 505 of 1,614,208 alleles (0.031%); highest among the groups gnomAD compares: African/African-American, 0.62%; 3 homozygotes.

Submissions (4):

CeGaT Center for Human Genetics Tuebingen
Classification: Likely benign. Last evaluated: 2026-06-01. Review status: criteria provided, single submitter. Criteria: CeGaT Center For Human Genetics Tuebingen Variant Classification Criteria Version 2. Collection method: clinical testing. Allele origin: germline. Affected: yes. Observed: 1 variant allele.
Comment: ACP5: BP4, BP7

Labcorp Genetics (formerly Invitae), Labcorp
Classification: Benign for Spondyloenchondrodysplasia with immune dysregulation. Last evaluated: 2026-01-21. Review status: criteria provided, single submitter. Criteria: Invitae Variant Classification Sherloc (09022015). Collection method: clinical testing. Allele origin: germline.

Blueprint Genetics
Classification: Likely benign. Last evaluated: 2024-02-19. Review status: criteria provided, single submitter. Criteria: ACMG Guidelines, 2015. Collection method: clinical testing. Allele origin: germline.

PreventionGenetics, part of Exact Sciences
Classification: Likely benign for ACP5-related condition. Last evaluated: 2019-11-12. Review status: no assertion criteria provided. Collection method: clinical testing. Allele origin: germline. Not counted in ClinVar's aggregate classification.
Comment: This variant is classified as likely benign based on ACMG/AMP sequence variant interpretation guidelines (Richards et al. 2015 PMID: 25741868, with internal and published modifications).